The following is an entry in ClinVar:

ClinVar aggregate classification (germline): Uncertain significance (1 of 4 stars; one submission).

gnomAD v4.1: 7 of 1,613,956 alleles (0.00043%); highest among the groups gnomAD compares: African/African-American, 0.0093%; no homozygotes.

Submission:

Labcorp Genetics (formerly Invitae), Labcorp
Classification: Uncertain significance. Last evaluated: 2022-12-16. Review status: criteria provided, single submitter. Criteria: Invitae Variant Classification Sherloc (09022015). Collection method: clinical testing. Allele origin: germline.
Comment: In summary, the available evidence is currently insufficient to determine the role of this variant in disease. Therefore, it has been classified as a Variant of Uncertain Significance. Advanced modeling of protein sequence and biophysical properties (such as structural, functional, and spatial information, amino acid conservation, physicochemical variation, residue mobility, and thermodynamic stability) performed at Invitae indicates that this missense variant is not expected to disrupt SYT2 protein function. This variant has not been reported in the literature in individuals affected with SYT2-related conditions. This variant is present in population databases (no rsID available, gnomAD 0.007%). This sequence change replaces alanine, which is neutral and non-polar, with serine, which is neutral and polar, at codon 120 of the SYT2 protein (p.Ala120Ser).

NM_177402.5(SYT2):c.358G>T (p.Ala120Ser)

Gene: SYT2 (synaptotagmin 2; minus strand). Cytogenetic location: 1q32.1.
Variant type: single nucleotide variant.
Coding change: c.358G>T on transcript NM_177402.5 (MANE Select); coding-DNA position 358, G replaced by T.
Protein change: p.Ala120Ser; replaces alanine 120 with serine.
Molecular consequence: missense variant.
Genome position (GRCh38, 1-based): chr1:202,603,106, C>A on the plus strand (G>T on the coding strand, the complement: SYT2 is on the minus strand). VCF-style: chr1-202603106-C-A. GRCh37 (hg19) VCF-style: chr1-202572234-C-A.
Other names: c.358G>T, p.Ala120Ser (NM_001136504.1); short protein forms A120S.
Identifiers: ClinVar variation 2726243 (VCV002726243.3), dbSNP rs987703370, ClinGen allele CA35581459.
Genomic context (GRCh38, chr1:202,603,106, plus strand): 5'-GGTTCTCTGGCTCTTTCTCCTCCTCCCCTTCACCTTCCCCCTCAGTCAGGCCTGTCTCTG[C>A]GTCGTCGTCATCCTGTGGGAGCTGGGGGAGAGAGGGAACAAGTTAAAAGGGGAGGACCGA-3'
Protein context (NP_796376.2, residues 110-130): DMKGGQDDDD[Ala120Ser]ETGLTEGEGE